The following is an entry in ClinVar:

NM_152222.2(RELT):c.46-5_46-3del

Gene: RELT (RELT TNF receptor; plus strand). Cytogenetic location: 11q13.4.
Variant type: Microsatellite.
Coding change: c.46-5_46-3del on transcript NM_152222.2 (MANE Select); 5 bases into the intron before coding-DNA position 46 through 3 bases into the intron before coding-DNA position 46, 3 bases deleted (TCT; older notation c.46-5_46-3delTCT).
Molecular consequence: intron variant.
Genome position (GRCh38, 1-based): chr11:73,390,546-73,390,548, TCT deleted; deleting any 3 consecutive bases within chr11:73,390,542-73,390,548 gives the same sequence; the c. name uses the placement nearest the transcript's 3' end. VCF-style (leftmost placement, unchanged base first): chr11-73390541-GTTC-G. GRCh37 (hg19) VCF-style: chr11-73101586-GTTC-G.
Other names: c.46-5_46-3del (NM_032871.4).
Identifiers: ClinVar variation 2642141 (VCV002642141.24), dbSNP rs773779443, ClinGen allele CA6178425.

ClinVar aggregate classification (germline): Likely benign (1 of 4 stars; one submission).

Submission:

CeGaT Center for Human Genetics Tuebingen
Classification: Likely benign. Last evaluated: 2022-12-01. Review status: criteria provided, single submitter. Criteria: CeGaT Center For Human Genetics Tuebingen Variant Classification Criteria Version 2. Collection method: clinical testing. Allele origin: germline. Affected: yes. Observed: 1 variant allele.
Comment: RELT: BP4, BS2